The following is an entry in ClinVar:

ClinVar aggregate classification (germline): Uncertain significance (1 of 4 stars; one submission).

Conditions:
Holoprosencephaly 5 (HPE5). Identifiers: Orphanet 2162, MedGen C1864827, MONDO:0012322, OMIM 609637.

gnomAD v4.1: 1 of 1,287,738 alleles (0.000078%); highest among the groups gnomAD compares: Non-Finnish European, 0.0001%; no homozygotes.

Submission:

Labcorp Genetics (formerly Invitae), Labcorp
Classification: Uncertain significance for Holoprosencephaly 5. Last evaluated: 2025-08-06. Review status: criteria provided, single submitter. Criteria: Invitae Variant Classification Sherloc (09022015). Collection method: clinical testing. Allele origin: germline.
Comment: This sequence change replaces glycine, which is neutral and non-polar, with valine, which is neutral and non-polar, at codon 519 of the ZIC2 protein (p.Gly519Val). This variant is not present in population databases (gnomAD no frequency). This variant has not been reported in the literature in individuals affected with ZIC2-related conditions. Experimental studies and prediction algorithms are not available or were not evaluated, and the functional significance of this variant is currently unknown. In summary, the available evidence is currently insufficient to determine the role of this variant in disease. Therefore, it has been classified as a Variant of Uncertain Significance.

NM_007129.5(ZIC2):c.1556G>T (p.Gly519Val)

Gene: ZIC2 (Zic family zinc finger 2; plus strand). Cytogenetic location: 13q32.3.
Variant type: single nucleotide variant.
Coding change: c.1556G>T on transcript NM_007129.5 (MANE Select); coding-DNA position 1556, G replaced by T.
Protein change: p.Gly519Val; replaces glycine 519 with valine.
Molecular consequence: missense variant.
Genome position (GRCh38, 1-based): chr13:99,985,639, G>T. VCF-style: chr13-99985639-G-T. GRCh37 (hg19) VCF-style: chr13-100637893-G-T.
Other names: short protein forms G519V.
Identifiers: ClinVar variation 4779196 (VCV004779196.1).